The following is an entry in ClinVar:

NM_000138.5(FBN1):c.146G>C (p.Gly49Ala)

Gene: FBN1 (fibrillin 1; minus strand). Cytogenetic location: 15q21.1.
Variant type: single nucleotide variant.
Coding change: c.146G>C on transcript NM_000138.5 (MANE Select); coding-DNA position 146, G replaced by C.
Protein change: p.Gly49Ala; replaces glycine 49 with alanine.
Molecular consequence: missense variant.
Genome position (GRCh38, 1-based): chr15:48,644,624, C>G on the plus strand (G>C on the coding strand, the complement: FBN1 is on the minus strand). VCF-style: chr15-48644624-C-G. GRCh37 (hg19) VCF-style: chr15-48936821-C-G.
Other names: short protein forms G49A.
Identifiers: ClinVar variation 662622 (VCV000662622.3), dbSNP rs1382204819, ClinGen allele CA392453493.

ClinVar aggregate classification (germline): Uncertain significance. Review status: criteria provided, multiple submitters, no conflicts (2 of 4 stars). 3 submissions from 3 submitters: Uncertain significance (3). Last evaluated 2025-02-03.

Conditions:
Familial thoracic aortic aneurysm and aortic dissection (TAAD). Also called: Thoracic aortic aneurysms and dissections. Identifiers: Orphanet 91387, MedGen C4707243, MONDO:0019625.
Marfan syndrome (MFS). Also called: FBN1-Related Marfan Syndrome; Marfan syndrome type 1; Marfan's syndrome; Marfan syndrome, classic; MARFAN SYNDROME, TYPE I. Identifiers: Orphanet 284963, Orphanet 558, MedGen C0024796, MONDO:0007947, OMIM 154700.

Allele frequency attached by ClinVar (database versions not stated): gnomAD exomes below 0.00001.
gnomAD v4.1: 6 of 1,613,700 alleles (0.00037%); highest among the groups gnomAD compares: Non-Finnish European, 0.00051%; no homozygotes.

Submissions (3):

GeneDx
Classification: Uncertain significance. Last evaluated: 2025-02-03. Review status: criteria provided, single submitter. Criteria: GeneDx Variant Classification Process June 2021. Collection method: clinical testing. Allele origin: germline. Affected: yes.
Comment: Not observed at significant frequency in large population cohorts (gnomAD); In silico analysis supports that this missense variant has a deleterious effect on protein structure/function; Has not been previously published as pathogenic or benign to our knowledge; Does not affect a cysteine or calcium-binding residue within an EGF-like domain or a TGF-binding protein domain of the FBN1 gene; cysteine substitutions in the EGF-like domains represent the majority of pathogenic missense changes associated with FBN1-related disorders (PMID: 12938084); This variant is associated with the following publications: (PMID: 12938084)

Ambry Genetics
Classification: Uncertain significance for Familial thoracic aortic aneurysm and aortic dissection. Last evaluated: 2024-06-28. Review status: criteria provided, single submitter. Criteria: Ambry Variant Classification Scheme 2023. Collection method: clinical testing. Allele origin: germline.
Comment: The p.G49A variant (also known as c.146G>C), located in coding exon 1 of the FBN1 gene, results from a G to C substitution at nucleotide position 146. The glycine at codon 49 is replaced by alanine, an amino acid with similar properties. This amino acid position is highly conserved in available vertebrate species. In addition, the in silico prediction for this alteration is inconclusive. Based on the available evidence, the clinical significance of this variant remains unclear.

Labcorp Genetics (formerly Invitae), Labcorp
Classification: Uncertain significance for Marfan syndrome; Familial thoracic aortic aneurysm and aortic dissection. Last evaluated: 2018-07-27. Review status: criteria provided, single submitter. Criteria: Invitae Variant Classification Sherloc (09022015). Collection method: clinical testing. Allele origin: germline.
Comment: This sequence change replaces glycine with alanine at codon 49 of the FBN1 protein (p.Gly49Ala). The glycine residue is moderately conserved and there is a small physicochemical difference between glycine and alanine. This variant is not present in population databases (ExAC no frequency). This variant has not been reported in the literature in individuals with FBN1-related disease. Algorithms developed to predict the effect of missense changes on protein structure and function are either unavailable or do not agree on the potential impact of this missense change (SIFT: "Deleterious"; PolyPhen-2: "Benign"; Align-GVGD: "Class C0"). In summary, the available evidence is currently insufficient to determine the role of this variant in disease. Therefore, it has been classified as a Variant of Uncertain Significance.